The following is an entry in ClinVar:

ClinVar aggregate classification (germline): Pathogenic. Review status: criteria provided, multiple submitters, no conflicts (2 of 4 stars). 8 submissions from 8 submitters: Pathogenic (7). 1 of the submissions does not count toward it. Last evaluated 2026-05-13.

Conditions:
DEPDC5-related disorder. Also called: DEPDC5-related condition; DEPDC5-related related disorder.
Familial focal epilepsy with variable foci (FPEVF). Identifiers: Orphanet 98820, MedGen C1858477, MONDO:0020310.
Epilepsy, familial focal, with variable foci 1 (FFEVF1). Also called: DEPDC5-Related Epilepsy. Identifiers: MedGen C4551983, MONDO:0024556, OMIM 604364.

Allele frequency attached by ClinVar (database versions not stated): gnomAD exomes below 0.00001; ExAC 0.00001.

Submissions (8):

Institute of Human Genetics, University of Leipzig Medical Center
Classification: Pathogenic for Epilepsy, familial focal, with variable foci 1. Last evaluated: 2026-05-13. Review status: criteria provided, single submitter. Criteria: ACMG Guidelines, 2015. Collection method: clinical testing. Allele origin: de novo. Inheritance: Autosomal dominant inheritance. Affected: yes.
Comment: Criteria applied: PVS1,PS4_MOD,PS2_MOD,PM2_SUP

GeneDx
Classification: Pathogenic. Last evaluated: 2025-07-21. Review status: criteria provided, single submitter. Criteria: GeneDx Variant Classification Process June 2021. Collection method: clinical testing. Allele origin: germline. Affected: yes.
Comment: Identified in patients with features of DEPDC5-related epilepsy referred for genetic testing at GeneDx and in published literature (PMID: 30093711, 24591017, 26505888); Nonsense variant predicted to result in protein truncation or nonsense mediated decay in a gene for which loss of function is a known mechanism of disease; Not observed at significant frequency in large population cohorts (gnomAD); This variant is associated with the following publications: (PMID: 23542701, 23542697, 26505888, 24591017, 30093711)

Labcorp Genetics (formerly Invitae), Labcorp
Classification: Pathogenic for Familial focal epilepsy with variable foci. Last evaluated: 2025-03-30. Review status: criteria provided, single submitter. Criteria: Invitae Variant Classification Sherloc (09022015). Collection method: clinical testing. Allele origin: germline.
Comment: This sequence change creates a premature translational stop signal (p.Arg243*) in the DEPDC5 gene. It is expected to result in an absent or disrupted protein product. Loss-of-function variants in DEPDC5 are known to be pathogenic (PMID: 23542697, 23542701). This variant is not present in population databases (gnomAD no frequency). This premature translational stop signal has been observed in individual(s) with DEPDC5-related conditions (PMID: 24591017, 26505888, 30093711). ClinVar contains an entry for this variant (Variation ID: 264723). For these reasons, this variant has been classified as Pathogenic.

Women's Health and Genetics/Laboratory Corporation of America, LabCorp
Classification: Pathogenic for Epilepsy, familial focal, with variable foci 1. Last evaluated: 2024-04-22. Review status: criteria provided, single submitter. Criteria: LabCorp Variant Classification Summary - May 2015. Collection method: clinical testing. Allele origin: germline.
Comment: Variant summary: DEPDC5 c.727C>T (p.Arg243X) results in a premature termination codon, predicted to cause a truncation of the encoded protein or absence of the protein due to nonsense mediated decay, which are commonly known mechanisms for disease. The variant allele was found at a frequency of 7.1e-07 in 1400454 control chromosomes. c.727C>T has been reported in the literature in at-least one individual affected with epilepsy (example: Balestrini_2021). The following publication has been ascertained in the context of this evaluation (PMID: 33903184). ClinVar contains an entry for this variant (Variation ID: 264723). Based on the evidence outlined above, the variant was classified as pathogenic.

Revvity Omics, Revvity
Classification: Pathogenic. Last evaluated: 2023-01-24. Review status: criteria provided, single submitter. Criteria: ACMG Guidelines, 2015. Collection method: clinical testing. Allele origin: germline.

Blueprint Genetics
Classification: Pathogenic for DEPDC5-related disorders. Last evaluated: 2020-12-17. Review status: criteria provided, single submitter. Criteria: ACMG Guidelines, 2015. Collection method: clinical testing. Allele origin: germline. Affected: yes. Observed: 3 variant alleles.

Center of Genomic medicine, Geneva, University Hospital of Geneva
Classification: Pathogenic for Familial focal epilepsy with variable foci. Last evaluated: 2018-08-01. Review status: criteria provided, single submitter. Criteria: ACMG Guidelines, 2015. Collection method: clinical testing. Allele origin: germline. Affected: yes. Observed: 1 variant allele.

GeneReviews
No classification provided. Condition: Epilepsy, familial focal, with variable foci 1. Review status: no classification provided. Collection method: literature only. Allele origin: germline. Affected: yes. Not counted in ClinVar's aggregate classification.

Literature cited by the submitters: PubMed 23542697 (cited by Labcorp Genetics (formerly Invitae), Labcorp); PubMed 23542701 (cited by Labcorp Genetics (formerly Invitae), Labcorp); PubMed 24591017 (cited by Labcorp Genetics (formerly Invitae), Labcorp and GeneReviews); PubMed 26505888 (cited by Labcorp Genetics (formerly Invitae), Labcorp and GeneReviews); PubMed 30093711 (cited by Labcorp Genetics (formerly Invitae), Labcorp); PubMed 33903184 (cited by Women's Health and Genetics/Laboratory Corporation of America, LabCorp); NCBI Bookshelf NBK385626 (cited by GeneReviews).

NM_001242896.3(DEPDC5):c.727C>T (p.Arg243Ter)

Gene: DEPDC5 (DEP domain containing 5, GATOR1 subcomplex subunit; plus strand). Cytogenetic location: 22q12.2.
Variant type: single nucleotide variant.
Coding change: c.727C>T on transcript NM_001242896.3 (MANE Select); coding-DNA position 727, C replaced by T.
Protein change: p.Arg243Ter; replaces arginine 243 with a stop codon.
Molecular consequence: nonsense. On other transcripts: non-coding transcript variant (5).
Genome position (GRCh38, 1-based): chr22:31,792,777, C>T. VCF-style: chr22-31792777-C-T. GRCh37 (hg19) VCF-style: chr22-32188763-C-T.
Other names: c.727C>T, p.Arg243Ter (NM_001007188.4, NM_001136029.4, NM_001242897.2 and 7 more transcripts); c.643C>T, p.Arg215Ter (NM_001369901.1, NM_001369902.1); short protein forms R243*, R215*.
Identifiers: ClinVar variation 264723 (VCV000264723.22), dbSNP rs772872014, ClinGen allele CA10196093.